The following is an entry in ClinVar:

NM_001379110.1(SLC9A6):c.-56-36G>A

Gene: SLC9A6 (solute carrier family 9 member A6; plus strand). Cytogenetic location: Xq26.3.
Variant type: single nucleotide variant.
Coding change: c.-56-36G>A on transcript NM_001379110.1 (MANE Select); 36 bases into the intron before 56 bases upstream of the start codon, G replaced by A.
Molecular consequence: intron variant. On other transcripts: missense variant (2).
Genome position (GRCh38, 1-based): chrX:135,985,567, G>A. VCF-style: chrX-135985567-G-A. GRCh37 (hg19) VCF-style: chrX-135067726-G-A.
Other names: c.65G>A, p.Arg22His (NM_001042537.2, NM_006359.3); c.-56-36G>A (NM_001177651.2, NM_001330652.2); short protein forms R22H.
Identifiers: ClinVar variation 1518758 (VCV001518758.8), dbSNP rs2089320091, ClinGen allele CA414606444.

ClinVar aggregate classification (germline): Uncertain significance (1 of 4 stars; one submission).

Conditions:
Christianson syndrome (MRXSCH). Also called: SLC9A6-Related Syndromic Mental Retardation; INTELLECTUAL DEVELOPMENTAL DISORDER, X-LINKED, SYNDROMIC, CHRISTIANSON TYPE; X-linked mental retardation, syndromic, Christianson type. Identifiers: Orphanet 85278, MedGen C2678194, MONDO:0010278, OMIM 300243.

Submission:

Labcorp Genetics (formerly Invitae), Labcorp
Classification: Uncertain significance for Christianson syndrome. Last evaluated: 2021-07-12. Review status: criteria provided, single submitter. Criteria: Invitae Variant Classification Sherloc (09022015). Collection method: clinical testing. Allele origin: germline.
Comment: This sequence change replaces arginine with histidine at codon 22 of the SLC9A6 protein (p.Arg22His). The arginine residue is weakly conserved and there is a small physicochemical difference between arginine and histidine. This variant is not present in population databases (ExAC no frequency). This variant has not been reported in the literature in individuals with SLC9A6-related conditions. Algorithms developed to predict the effect of missense changes on protein structure and function output the following: SIFT: "Tolerated"; PolyPhen-2: "Benign"; Align-GVGD: "Class C0". The histidine amino acid residue is found in multiple mammalian species, suggesting that this missense change does not adversely affect protein function. These predictions have not been confirmed by published functional studies and their clinical significance is uncertain. In summary, the available evidence is currently insufficient to determine the role of this variant in disease. Therefore, it has been classified as a Variant of Uncertain Significance.